The following is an entry in ClinVar:

NM_001164665.2(KIAA1549):c.3306G>C (p.Arg1102Ser)

Gene: KIAA1549 (KIAA1549; minus strand). Cytogenetic location: 7q34.
Variant type: single nucleotide variant.
Coding change: c.3306G>C on transcript NM_001164665.2 (MANE Select); coding-DNA position 3306, G replaced by C.
Protein change: p.Arg1102Ser; replaces arginine 1102 with serine.
Molecular consequence: missense variant.
Genome position (GRCh38, 1-based): chr7:138,907,073, C>G on the plus strand (G>C on the coding strand, the complement: KIAA1549 is on the minus strand). VCF-style: chr7-138907073-C-G. GRCh37 (hg19) VCF-style: chr7-138591819-C-G.
Other names: c.3306G>C, p.Arg1102Ser (NM_020910.3); short protein forms R1102S.
Identifiers: ClinVar variation 1008605 (VCV001008605.8), dbSNP rs1812027560, ClinGen allele CA369385533.

ClinVar aggregate classification (germline): Uncertain significance (1 of 4 stars; one submission).

Submission:

Labcorp Genetics (formerly Invitae), Labcorp
Classification: Uncertain significance. Last evaluated: 2026-01-05. Review status: criteria provided, single submitter. Criteria: Invitae Variant Classification Sherloc (09022015). Collection method: clinical testing. Allele origin: germline.
Comment: This sequence change replaces arginine, which is basic and polar, with serine, which is neutral and polar, at codon 1102 of the KIAA1549 protein (p.Arg1102Ser). This variant is not present in population databases (gnomAD no frequency). This variant has not been reported in the literature in individuals affected with KIAA1549-related conditions. ClinVar contains an entry for this variant (Variation ID: 1008605). An algorithm developed to predict the effect of missense changes on protein structure and function (PolyPhen-2) suggests that this variant is likely to be disruptive. In summary, the available evidence is currently insufficient to determine the role of this variant in disease. Therefore, it has been classified as a Variant of Uncertain Significance.